The following is an entry in ClinVar:

NM_001184785.2(PARD3):c.3573A>G (p.Arg1191=)

Gene: PARD3 (par-3 family cell polarity regulator; minus strand). Cytogenetic location: 10p11.22.
Variant type: single nucleotide variant.
Coding change: c.3573A>G on transcript NM_001184785.2 (MANE Select); coding-DNA position 3573, A replaced by G.
Protein change: p.Arg1191=; no amino-acid change (arginine 1191 retained).
Molecular consequence: synonymous variant.
Genome position (GRCh38, 1-based): chr10:34,119,708, T>C on the plus strand (A>G on the coding strand, the complement: PARD3 is on the minus strand). VCF-style: chr10-34119708-T-C. GRCh37 (hg19) VCF-style: chr10-34408636-T-C.
Other names: c.3534A>G, p.Arg1178= (NM_001184786.2); c.3471A>G, p.Arg1157= (NM_001184787.2); c.3444A>G, p.Arg1148= (NM_001184788.2); c.3333A>G, p.Arg1111= (NM_001184789.2); c.3312A>G, p.Arg1104= (NM_001184790.2); c.3246A>G, p.Arg1082= (NM_001184791.2); c.3582A>G, p.Arg1194= (NM_019619.4).
Identifiers: ClinVar variation 3055935 (VCV003055935.2), dbSNP rs11009651, ClinGen allele CA5467217.

ClinVar aggregate classification (germline): Benign (0 of 4 stars; one submission).

Conditions:
PARD3-related disorder. Also called: PARD3-related condition.

Allele frequency attached by ClinVar (database versions not stated): 1000 Genomes Project 0.19469; 1000 Genomes Project 30x 0.20269; ExAC 0.22785; gnomAD exomes 0.25049; gnomAD 0.26073; TOPMed 0.27069; ESP Exome Variant Server 0.27667.
gnomAD v4.1: 404,974 of 1,611,624 alleles (25%); highest among the groups gnomAD compares: African/African-American, 33%; 54,002 homozygotes.

Submission:

PreventionGenetics, part of Exact Sciences
Classification: Benign for PARD3-related condition. Last evaluated: 2019-10-21. Review status: no assertion criteria provided. Collection method: clinical testing. Allele origin: germline.
Comment: This variant is classified as benign based on ACMG/AMP sequence variant interpretation guidelines (Richards et al. 2015 PMID: 25741868, with internal and published modifications).